The following is an entry in ClinVar:

ClinVar aggregate classification (germline): Uncertain significance (1 of 4 stars; one submission).

Conditions:
Congenital disorder of glycosylation, type Iaa. Also called: Congenital disorder of glycosylation, type 1aa. Identifiers: MedGen C4310727, MONDO:0014904, OMIM 617082.

Submission:

Labcorp Genetics (formerly Invitae), Labcorp
Classification: Uncertain significance for Congenital disorder of glycosylation, type Iaa. Last evaluated: 2025-10-13. Review status: criteria provided, single submitter. Criteria: Invitae Variant Classification Sherloc (09022015). Collection method: clinical testing. Allele origin: germline.
Comment: This sequence change replaces proline, which is neutral and non-polar, with leucine, which is neutral and non-polar, at codon 246 of the NUS1 protein (p.Pro246Leu). This variant is not present in population databases (gnomAD no frequency). This variant has not been reported in the literature in individuals affected with NUS1-related conditions. An algorithm developed to predict the effect of missense changes on protein structure and function (PolyPhen-2) suggests that this variant is likely to be tolerated. In summary, the available evidence is currently insufficient to determine the role of this variant in disease. Therefore, it has been classified as a Variant of Uncertain Significance.

NM_138459.5(NUS1):c.737C>T (p.Pro246Leu)

Gene: NUS1 (NUS1 dehydrodolichyl diphosphate synthase subunit; plus strand). Cytogenetic location: 6q22.1.
Variant type: single nucleotide variant.
Coding change: c.737C>T on transcript NM_138459.5 (MANE Select); coding-DNA position 737, C replaced by T.
Protein change: p.Pro246Leu; replaces proline 246 with leucine.
Molecular consequence: missense variant.
Genome position (GRCh38, 1-based): chr6:117,703,650, C>T. VCF-style: chr6-117703650-C-T. GRCh37 (hg19) VCF-style: chr6-118024813-C-T.
Other names: short protein forms P246L.
Identifiers: ClinVar variation 4807335 (VCV004807335.1).